The following is an entry in ClinVar:

ClinVar aggregate classification (germline): Uncertain significance (1 of 4 stars; one submission).

Conditions:
Dyskeratosis congenita, autosomal dominant 1 (DKCA1). Also called: Dyskeratosis congenita Scoggins type. Identifiers: Orphanet 1775, MedGen C4551974, MONDO:0007485, OMIM 127550. Inheritance: Variable.

Submission:

Labcorp Genetics (formerly Invitae), Labcorp
Classification: Uncertain significance for Dyskeratosis congenita, autosomal dominant 1. Last evaluated: 2023-09-29. Review status: criteria provided, single submitter. Criteria: Invitae Variant Classification Sherloc (09022015). Collection method: clinical testing. Allele origin: germline.
Comment: This variant is located within the BoxH/ACA scaRNA domain of the TERC RNA component, which is required for telomerase activity (PMID: 21844345). In summary, the available evidence is currently insufficient to determine the role of this variant in disease. Therefore, it has been classified as a Variant of Uncertain Significance. This variant occurs in the TERC gene, which encodes an RNA molecule that does not result in a protein product. This variant is not present in population databases (gnomAD no frequency). This variant has not been reported in the literature in individuals affected with TERC-related conditions. Experimental studies and prediction algorithms are not available or were not evaluated, and the functional significance of this variant is currently unknown.

Literature cited by the submitters: PubMed 21844345.

NR_001566.3(TERC):n.450dup

Gene: TERC (telomerase RNA component; minus strand). Cytogenetic location: 3q26.2.
Variant type: Duplication.
Genome position: GRCh38 VCF-style: chr3-169764610-G-GC. GRCh37 (hg19) VCF-style: chr3-169482398-G-GC.
Identifiers: ClinVar variation 2764141 (VCV002764141.3), dbSNP rs2474261862, ClinGen allele CA2697556977.